The following is an entry in ClinVar:

NM_001367479.1(DNAH14):c.3310A>T (p.Asn1104Tyr)

Gene: DNAH14 (dynein axonemal heavy chain 14; plus strand). Cytogenetic location: 1q42.12.
Variant type: single nucleotide variant.
Coding change: c.3310A>T on transcript NM_001367479.1 (MANE Select); coding-DNA position 3310, A replaced by T.
Protein change: p.Asn1104Tyr; replaces asparagine 1104 with tyrosine.
Molecular consequence: missense variant.
Genome position (GRCh38, 1-based): chr1:225,082,722, A>T. VCF-style: chr1-225082722-A-T. GRCh37 (hg19) VCF-style: chr1-225270424-A-T.
Other names: short protein forms N1104Y.
Identifiers: ClinVar variation 2639945 (VCV002639945.24), dbSNP rs201015646, ClinGen allele CA1415869.

ClinVar aggregate classification (germline): Likely benign (1 of 4 stars; one submission).

Allele frequency attached by ClinVar (database versions not stated): 1000 Genomes Project 30x 0.00187; 1000 Genomes Project 0.00200; ESP Exome Variant Server 0.00350; gnomAD exomes 0.00371; ExAC 0.00471.
gnomAD v4.1: 5,618 of 1,547,176 alleles (0.36%); highest among the groups gnomAD compares: Middle Eastern, 0.74%; 20 homozygotes.

Submission:

CeGaT Center for Human Genetics Tuebingen
Classification: Likely benign. Last evaluated: 2022-12-01. Review status: criteria provided, single submitter. Criteria: CeGaT Center For Human Genetics Tuebingen Variant Classification Criteria Version 2. Collection method: clinical testing. Allele origin: germline. Affected: yes. Observed: 2 variant alleles.
Comment: DNAH14: BP4, BS2